The following is an entry in ClinVar:

NM_002249.6(KCNN3):c.1786A>G (p.Lys596Glu)

Gene: KCNN3 (potassium calcium-activated channel subfamily N member 3; minus strand). Cytogenetic location: 1q21.3.
Variant type: single nucleotide variant.
Coding change: c.1786A>G on transcript NM_002249.6 (MANE Select); coding-DNA position 1786, A replaced by G.
Protein change: p.Lys596Glu; replaces lysine 596 with glutamic acid.
Molecular consequence: missense variant.
Genome position (GRCh38, 1-based): chr1:154,714,919, T>C on the plus strand (A>G on the coding strand, the complement: KCNN3 is on the minus strand). VCF-style: chr1-154714919-T-C. GRCh37 (hg19) VCF-style: chr1-154687395-T-C.
Other names: c.1831A>G, p.Lys611Glu (NM_001204087.2); c.892A>G, p.Lys298Glu (NM_001365837.1); c.847A>G, p.Lys283Glu (NM_001365838.1); c.871A>G, p.Lys291Glu (NM_170782.3); short protein forms K283E, K291E, K298E, K596E, K611E.
Identifiers: ClinVar variation 3234017 (VCV003234017.1), dbSNP rs2526997374, ClinGen allele CA343068860.
Genomic context (GRCh38, chr1:154,714,919, plus strand): 5'-CGCTCTGGCATACTCACTGGTGGATAGCTTGGAGGAACTTCCTCTGGTGTTTCCTCACTT[T>C]GGCATGGTCAATCTTCTTTAGCAGCTTTGTGTGTTTATAGATTAACCATGTTTCCCGAAG-3'
Protein context (NP_002240.3, residues 586-606): TKLLKKIDHA[Lys596Glu]VRKHQRKFLQ

ClinVar aggregate classification (germline): Uncertain significance (1 of 4 stars; one submission).

Conditions:
Zimmermann-Laband syndrome 3. Identifiers: MedGen C5231447, MONDO:0032854, OMIM 618658.

Submission:

MVZ Medizinische Genetik Mainz
Classification: Uncertain significance for Zimmermann-Laband syndrome 3. Last evaluated: 2022-05-18. Review status: criteria provided, single submitter. Criteria: UK Practice Guidelines For Variant Classification V4 01 2020. Collection method: clinical testing. Allele origin: germline. Inheritance: Autosomal dominant inheritance. Affected: yes. Observed: 1 variant allele.
Comment: ACMG Criteria: PM2_SUP,PP2,PP3